The following is an entry in ClinVar:

NM_001283009.2(RTEL1):c.3773C>T (p.Pro1258Leu)

Genes: RTEL1 (regulator of telomere elongation helicase 1; plus strand), RTEL1-TNFRSF6B (RTEL1-TNFRSF6B readthrough (NMD candidate); plus strand). Cytogenetic location: 20q13.33.
Variant type: single nucleotide variant.
Coding change: c.3773C>T on transcript NM_001283009.2 (MANE Select); coding-DNA position 3773, C replaced by T.
Protein change: p.Pro1258Leu; replaces proline 1258 with leucine.
Molecular consequence: missense variant. On other transcripts: non-coding transcript variant (1), intron variant (3).
Genome position (GRCh38, 1-based): chr20:63,695,601, C>T. VCF-style: chr20-63695601-C-T. GRCh37 (hg19) VCF-style: chr20-62326954-C-T.
Other names: c.2983+121C>T (NM_001283010.1); c.3724+121C>T (NM_032957.5); c.3652+121C>T (NM_016434.4); short protein forms P1258L.
Identifiers: ClinVar variation 3948320 (VCV003948320.2).

ClinVar aggregate classification (germline): Uncertain significance. Review status: criteria provided, multiple submitters, no conflicts (2 of 4 stars). 2 submissions from 2 submitters: Uncertain significance (2). Last evaluated 2025-04-12.

Conditions:
Dyskeratosis congenita, autosomal recessive 5 (DKCB5). Identifiers: MedGen C3554656, MONDO:0014076, OMIM 615190.
Pulmonary fibrosis and/or bone marrow failure, Telomere-related, 3. Also called: PULMONARY FIBROSIS AND/OR BONE MARROW FAILURE SYNDROME, TELOMERE-RELATED, 3. Identifiers: Orphanet 2032, MedGen C4225346, MONDO:0014613, OMIM 616373.
Inborn genetic diseases. Identifiers: MedGen C0950123, MeSH D030342.

gnomAD v4.1: 9 of 1,611,970 alleles (0.00056%); highest among the groups gnomAD compares: Non-Finnish European, 0.00076%; no homozygotes.

Submissions (2):

Ambry Genetics
Classification: Uncertain significance for Inborn genetic diseases. Last evaluated: 2025-04-12. Review status: criteria provided, single submitter. Criteria: Ambry Variant Classification Scheme 2023. Collection method: clinical testing. Allele origin: germline.
Comment: The p.P1258L variant (also known as c.3773C>T), located in coding exon 33 of the RTEL1 gene, results from a C to T substitution at nucleotide position 3773. The proline at codon 1258 is replaced by leucine, an amino acid with similar properties. This amino acid position is conserved. In addition, this alteration is predicted to be tolerated by in silico analysis. Based on the available evidence, the clinical significance of this variant remains unclear.

Labcorp Genetics (formerly Invitae), Labcorp
Classification: Uncertain significance for Dyskeratosis congenita, autosomal recessive 5; Pulmonary fibrosis and/or bone marrow failure, Telomere-related, 3. Last evaluated: 2025-03-27. Review status: criteria provided, single submitter. Criteria: Invitae Variant Classification Sherloc (09022015). Collection method: clinical testing. Allele origin: germline.
Comment: This sequence change replaces proline, which is neutral and non-polar, with leucine, which is neutral and non-polar, at codon 1258 of the RTEL1 protein (p.Pro1258Leu). The frequency data for this variant in the population databases is considered unreliable, as metrics indicate poor data quality at this position in the gnomAD database. This variant has not been reported in the literature in individuals affected with RTEL1-related conditions. An algorithm developed to predict the effect of missense changes on protein structure and function (PolyPhen-2) suggests that this variant is likely to be tolerated. In summary, the available evidence is currently insufficient to determine the role of this variant in disease. Therefore, it has been classified as a Variant of Uncertain Significance.